The following is an entry in ClinVar:

NM_001142864.4(PIEZO1):c.7149C>T (p.Leu2383=)

Gene: PIEZO1 (piezo type mechanosensitive ion channel component 1 (Er blood group); minus strand). Cytogenetic location: 16q24.3.
Variant type: single nucleotide variant.
Coding change: c.7149C>T on transcript NM_001142864.4 (MANE Select); coding-DNA position 7149, C replaced by T.
Protein change: p.Leu2383=; no amino-acid change (leucine 2383 retained).
Molecular consequence: synonymous variant.
Genome position (GRCh38, 1-based): chr16:88,716,100, G>A on the plus strand (C>T on the coding strand, the complement: PIEZO1 is on the minus strand). VCF-style: chr16-88716100-G-A. GRCh37 (hg19) VCF-style: chr16-88782508-G-A.
Other names: c.5691C>T, p.Leu1897= (NM_014745.1); c.7149C>T (NM_001142864.3).
Identifiers: ClinVar variation 2646985 (VCV002646985.29), dbSNP rs551265517, ClinGen allele CA8231394.
Genomic context (GRCh38, chr16:88,716,100, plus strand): 5'-CCATTCGAGGAAGCCGGTGGCCCCCGCACCCTGCTCCCTCCGCAGCTGGATACGCACGCC[G>A]AGGTAGTCGGCCTCCTCATCTGGGATGGAGGGAGAAGATCGTTGAGGCCGCAGGTCACCC-3'
Protein context (NP_001136336.2, residues 2373-2393): QLQPNEEADY[Leu2383=]GVRIQLRREQ

ClinVar aggregate classification (germline): Likely benign. Review status: criteria provided, multiple submitters, no conflicts (2 of 4 stars). 4 submissions from 4 submitters: Likely benign (3). 1 of the submissions does not count toward it. Last evaluated 2026-02-01.

Conditions:
PIEZO1-related disorder. Also called: PIEZO1-related condition; PIEZO1-Related Disorders.

Allele frequency attached by ClinVar (database versions not stated): 1000 Genomes Project 30x 0.00031; ExAC 0.00035; gnomAD 0.00035; 1000 Genomes Project 0.00040; TOPMed 0.00046.
gnomAD v4.1: 889 of 1,547,540 alleles (0.057%); highest among the groups gnomAD compares: Middle Eastern, 0.067%; 2 homozygotes.

Submissions (4):

CeGaT Center for Human Genetics Tuebingen
Classification: Likely benign. Last evaluated: 2026-02-01. Review status: criteria provided, single submitter. Criteria: CeGaT Center For Human Genetics Tuebingen Variant Classification Criteria Version 2. Collection method: clinical testing. Allele origin: germline. Affected: yes. Observed: 3 variant alleles.
Comment: PIEZO1: BP4, BP7

Labcorp Genetics (formerly Invitae), Labcorp
Classification: Likely benign. Last evaluated: 2025-03-13. Review status: criteria provided, single submitter. Criteria: Invitae Variant Classification Sherloc (09022015). Collection method: clinical testing. Allele origin: germline.

Blueprint Genetics
Classification: Likely benign. Last evaluated: 2024-11-27. Review status: criteria provided, single submitter. Criteria: ACMG Guidelines, 2015. Collection method: clinical testing. Allele origin: germline.

PreventionGenetics, part of Exact Sciences
Classification: Likely benign for PIEZO1-related condition. Last evaluated: 2024-01-05. Review status: no assertion criteria provided. Collection method: clinical testing. Allele origin: germline. Not counted in ClinVar's aggregate classification.
Comment: This variant is classified as likely benign based on ACMG/AMP sequence variant interpretation guidelines (Richards et al. 2015 PMID: 25741868, with internal and published modifications).